The following is an entry in ClinVar:

NM_000051.4(ATM):c.5583G>T (p.Leu1861=)

Gene: ATM (ATM serine/threonine kinase; plus strand). Cytogenetic location: 11q22.3.
Variant type: single nucleotide variant.
Coding change: c.5583G>T on transcript NM_000051.4 (MANE Select); coding-DNA position 5583, G replaced by T.
Protein change: p.Leu1861=; no amino-acid change (leucine 1861 retained).
Molecular consequence: synonymous variant.
Genome position (GRCh38, 1-based): chr11:108,304,761, G>T. VCF-style: chr11-108304761-G-T. GRCh37 (hg19) VCF-style: chr11-108175488-G-T.
Other names: c.5583G>T, p.Leu1861= (NM_001351834.2).
Identifiers: ClinVar variation 924254 (VCV000924254.14), dbSNP rs781383087, ClinGen allele CA476675149.

ClinVar aggregate classification (germline): Benign/Likely benign. Review status: criteria provided, multiple submitters, no conflicts (2 of 4 stars). 5 submissions from 5 submitters: Benign (1); Likely benign (4). Last evaluated 2025-09-21.

Conditions:
Hereditary cancer-predisposing syndrome. Also called: Hereditary Cancer Syndrome; Hereditary neoplastic syndrome; Neoplastic Syndromes, Hereditary; Tumor predisposition. Identifiers: Orphanet 140162, MedGen C0027672, MeSH D009386, MONDO:0015356.
Familial cancer of breast. Also called: hereditary breast carcinoma; BREAST CANCER, FAMILIAL; Hereditary breast cancer. Identifiers: Orphanet 227535, MedGen C0346153, MONDO:0016419, OMIM 114480. Disease mechanism: loss of function.
Ataxia-telangiectasia syndrome (AT). Also called: Ataxia-telangiectasia, complementation group E; LOUIS-BAR SYNDROME; Cerebello-oculocutaneous telangiectasia; Immunodeficiency with ataxia telangiectasia; Ataxia-telangiectasia, complementation group D; AT, COMPLEMENTATION GROUP C. Identifiers: Orphanet 100, MedGen C0004135, MONDO:0008840, OMIM 208900.

Allele frequency attached by ClinVar (database versions not stated): TOPMed 0.00001.

Submissions (5):

Labcorp Genetics (formerly Invitae), Labcorp
Classification: Likely benign for Ataxia-telangiectasia syndrome. Last evaluated: 2025-09-21. Review status: criteria provided, single submitter. Criteria: Invitae Variant Classification Sherloc (09022015). Collection method: clinical testing. Allele origin: germline.

Myriad Genetics, Inc.
Classification: Benign for Familial cancer of breast. Last evaluated: 2024-05-23. Review status: criteria provided, single submitter. Criteria: Myriad Autosomal Dominant, Autosomal Recessive and X-Linked Classification Criteria (2023). Collection method: clinical testing. Allele origin: unknown.
Comment: This variant is considered benign. This variant is a silent/synonymous amino acid change and it is not expected to impact splicing.

Sema4
Classification: Likely benign for Hereditary cancer-predisposing syndrome. Last evaluated: 2022-02-15. Review status: criteria provided, single submitter. Criteria: Sema4 Curation Guidelines. Collection method: curation. Allele origin: germline.

Color Diagnostics, LLC DBA Color Health
Classification: Likely benign for Hereditary cancer-predisposing syndrome. Last evaluated: 2020-04-13. Review status: criteria provided, single submitter. Criteria: ACMG Guidelines, 2015. Collection method: clinical testing. Allele origin: germline.

Ambry Genetics
Classification: Likely benign for Hereditary cancer-predisposing syndrome. Last evaluated: 2015-10-16. Review status: criteria provided, single submitter. Criteria: Ambry Variant Classification Scheme 2023. Collection method: clinical testing. Allele origin: germline.